The following is an entry in ClinVar:

NM_000552.5(VWF):c.1268_1270del (p.Phe423del)

Gene: VWF (von Willebrand factor; minus strand). Cytogenetic location: 12p13.31.
Variant type: Deletion.
Coding change: c.1268_1270del on transcript NM_000552.5 (MANE Select); coding-DNA positions 1268 to 1270, 3 bases deleted (TCT; older notation c.1268_1270delTCT).
Protein change: p.Phe423del; deletes phenylalanine 423.
Molecular consequence: inframe deletion.
Genome position (GRCh38, 1-based): chr12:6,065,160-6,065,162, AGA deleted on the plus strand (TCT on the coding strand, the reverse complement: VWF is on the minus strand); deleting any 3 consecutive bases within chr12:6,065,160-6,065,164 gives the same sequence; the c. name uses the placement nearest the transcript's 3' end. VCF-style (leftmost placement, unchanged base first): chr12-6065159-GAGA-G. GRCh37 (hg19) VCF-style: chr12-6174325-GAGA-G.
Other names: short protein forms F423del.
Identifiers: ClinVar variation 4887828 (VCV004887828.1).

ClinVar aggregate classification (germline): Likely pathogenic (1 of 4 stars; one submission).

Submission:

GeneDx
Classification: Likely pathogenic. Last evaluated: 2026-02-11. Review status: criteria provided, single submitter. Criteria: GeneDx Variant Classification Process June 2021. Collection method: clinical testing. Allele origin: germline.
Comment: Not observed at significant frequency in large population cohorts (gnomAD); In-frame deletion of 1 amino acid(s) in a non-repeat region; In silico analysis supports a deleterious effect on protein structure/function; This variant is associated with the following publications: (PMID: 37647632, 22315491)